The following is an entry in ClinVar:

ClinVar aggregate classification (germline): Uncertain significance. Review status: criteria provided, multiple submitters, no conflicts (2 of 4 stars). 3 submissions from 3 submitters: Uncertain significance (3). Last evaluated 2025-02-11.

Conditions:
Inborn genetic diseases. Identifiers: MedGen C0950123, MeSH D030342.

gnomAD v4.1: 41 of 1,611,910 alleles (0.0025%); highest among the groups gnomAD compares: East Asian, 0.0045%; no homozygotes.

Submissions (3):

Labcorp Genetics (formerly Invitae), Labcorp
Classification: Uncertain significance. Last evaluated: 2025-02-11. Review status: criteria provided, single submitter. Criteria: Invitae Variant Classification Sherloc (09022015). Collection method: clinical testing. Allele origin: germline.
Comment: This sequence change replaces arginine, which is basic and polar, with tryptophan, which is neutral and slightly polar, at codon 508 of the ZNF408 protein (p.Arg508Trp). This variant is present in population databases (rs373386613, gnomAD 0.007%). This variant has not been reported in the literature in individuals affected with ZNF408-related conditions. ClinVar contains an entry for this variant (Variation ID: 3475711). An algorithm developed to predict the effect of missense changes on protein structure and function (PolyPhen-2) suggests that this variant is likely to be disruptive. In summary, the available evidence is currently insufficient to determine the role of this variant in disease. Therefore, it has been classified as a Variant of Uncertain Significance.

Ambry Genetics
Classification: Uncertain significance for Inborn genetic diseases. Last evaluated: 2024-11-20. Review status: criteria provided, single submitter. Criteria: Ambry Variant Classification Scheme 2023. Collection method: clinical testing. Allele origin: germline.

Blueprint Genetics
Classification: Uncertain significance. Last evaluated: 2024-10-21. Review status: criteria provided, single submitter. Criteria: ACMG Guidelines, 2015. Collection method: clinical testing. Allele origin: germline.

NM_024741.3(ZNF408):c.1522C>T (p.Arg508Trp)

Gene: ZNF408 (zinc finger protein 408; plus strand). Cytogenetic location: 11p11.2.
Variant type: single nucleotide variant.
Coding change: c.1522C>T on transcript NM_024741.3 (MANE Select); coding-DNA position 1522, C replaced by T.
Protein change: p.Arg508Trp; replaces arginine 508 with tryptophan.
Molecular consequence: missense variant.
Genome position (GRCh38, 1-based): chr11:46,705,222, C>T. VCF-style: chr11-46705222-C-T. GRCh37 (hg19) VCF-style: chr11-46726772-C-T.
Other names: c.1498C>T, p.Arg500Trp (NM_001184751.2); short protein forms R500W, R508W.
Identifiers: ClinVar variation 3475711 (VCV003475711.3).